The following is an entry in ClinVar:

ClinVar aggregate classification (germline): Pathogenic (1 of 4 stars; one submission).

Conditions:
Hereditary cancer-predisposing syndrome. Also called: Tumor predisposition; Hereditary neoplastic syndrome; Neoplastic Syndromes, Hereditary; Hereditary Cancer Syndrome. Identifiers: Orphanet 140162, MedGen C0027672, MeSH D009386, MONDO:0015356.

Submission:

Ambry Genetics
Classification: Pathogenic for Hereditary cancer-predisposing syndrome. Last evaluated: 2025-04-17. Review status: criteria provided, single submitter. Criteria: Ambry Variant Classification Scheme 2023. Collection method: clinical testing. Allele origin: germline.
Comment: The c.9371delA pathogenic mutation, located in coding exon 24 of the BRCA2 gene, results from a deletion of one nucleotide at nucleotide position 9371, causing a translational frameshift with a predicted alternate stop codon (p.N3124Tfs*39). This variant is considered to be rare based on population cohorts in the Genome Aggregation Database (gnomAD). This alteration is expected to result in loss of function by premature protein truncation or nonsense-mediated mRNA decay. As such, this alteration is interpreted as a disease-causing mutation.

NM_000059.4(BRCA2):c.9371del (p.Asn3124fs)

Gene: BRCA2 (BRCA2 DNA repair associated; plus strand). Cytogenetic location: 13q13.1.
Variant type: Deletion.
Coding change: c.9371del on transcript NM_000059.4 (MANE Select); coding-DNA position 9371, one base deleted (A; older notation c.9371delA).
Protein change: p.Asn3124fs; shifts the reading frame from asparagine 3124.
Molecular consequence: frameshift variant. On other transcripts: non-coding transcript variant (1).
Genome position (GRCh38, 1-based): chr13:32,394,803, A deleted; the last of 2 consecutive A bases (chr13:32,394,802-32,394,803); deleting either gives the same sequence. VCF-style (leftmost placement, unchanged base first): chr13-32394801-CA-C. GRCh37 (hg19) VCF-style: chr13-32968938-CA-C.
Other names: c.9275del, p.Asn3092fs (NM_001406719.1); c.9320del, p.Asn3107fs (NM_001406720.1); c.4439del, p.Asn1480fs (NM_001406721.1); c.2954del, p.Asn985fs (NM_001406722.1); c.9371del, p.Asn3124fs (NM_001432077.1); short protein forms N1480fs, N3124fs, N985fs, N3092fs, N3107fs.
Identifiers: ClinVar variation 3992769 (VCV003992769.1).